The following is an entry in ClinVar:

ClinVar aggregate classification (germline): Uncertain significance (1 of 4 stars; one submission).

Conditions:
Inborn genetic diseases. Identifiers: MedGen C0950123, MeSH D030342.

Allele frequency attached by ClinVar (database versions not stated): gnomAD exomes below 0.00001.
gnomAD v4.1: 1 of 1,614,192 alleles (0.000062%); highest among the groups gnomAD compares: Non-Finnish European, 0.000085%; no homozygotes.

Submission:

Ambry Genetics
Classification: Uncertain significance for Inborn genetic diseases. Last evaluated: 2021-05-20. Review status: criteria provided, single submitter. Criteria: Ambry Variant Classification Scheme 2023. Collection method: clinical testing. Allele origin: germline.
Comment: The p.K954R variant (also known as c.2861A>G), located in coding exon 10 of the DYNC1H1 gene, results from an A to G substitution at nucleotide position 2861. The lysine at codon 954 is replaced by arginine, an amino acid with highly similar properties. This amino acid position is well conserved in available vertebrate species; however, arginine is the reference amino acid in other vertebrate species. In addition, this alteration is predicted to be tolerated by in silico analysis. Since supporting evidence is limited at this time, the clinical significance of this alteration remains unclear.

NM_001376.5(DYNC1H1):c.2861A>G (p.Lys954Arg)

Gene: DYNC1H1 (dynein cytoplasmic 1 heavy chain 1; plus strand). Cytogenetic location: 14q32.31.
Variant type: single nucleotide variant.
Coding change: c.2861A>G on transcript NM_001376.5 (MANE Select); coding-DNA position 2861, A replaced by G.
Protein change: p.Lys954Arg; replaces lysine 954 with arginine.
Molecular consequence: missense variant.
Genome position (GRCh38, 1-based): chr14:101,988,845, A>G. VCF-style: chr14-101988845-A-G. GRCh37 (hg19) VCF-style: chr14-102455182-A-G.
Other names: short protein forms K954R.
Identifiers: ClinVar variation 1796960 (VCV001796960.2), dbSNP rs2503702038, ClinGen allele CA391029101.
Genomic context (GRCh38, chr14:101,988,845, plus strand): 5'-CAGAAGTTGACATGGACACAGATGCTCCACAAGTTAGTCACAAGCCTGGTGGAGAGCCAA[A>G]GATCAAAGTGAGTGCTTCTGTGGCATTCTATTTACTAATAAGTGAAATAACAAAACTCTC-3'
Protein context (NP_001367.2, residues 944-964): QVSHKPGGEP[Lys954Arg]IKNVVHELRI